The following is an entry in ClinVar:

NM_001083962.2(TCF4):c.1957_1958del (p.Ser653fs)

Gene: TCF4 (transcription factor 4; minus strand). Cytogenetic location: 18q21.2.
Variant type: Microsatellite.
Coding change: c.1957_1958del on transcript NM_001083962.2 (MANE Select); coding-DNA positions 1957 to 1958, 2 bases deleted (TC; older notation c.1957_1958delTC).
Protein change: p.Ser653fs; shifts the reading frame from serine 653.
Molecular consequence: frameshift variant.
Genome position (GRCh38, 1-based): chr18:55,228,283-55,228,284, GA deleted on the plus strand (TC on the coding strand, the reverse complement: TCF4 is on the minus strand); deleting any 2 consecutive bases within chr18:55,228,283-55,228,289 gives the same sequence; the c. name uses the placement nearest the transcript's 3' end. VCF-style (leftmost placement, unchanged base first): chr18-55228282-GGA-G. GRCh37 (hg19) VCF-style: chr18-52895513-GGA-G.
Other names: c.1831_1832del, p.Ser611fs (NM_001348211.2); c.1555_1556del, p.Ser519fs (NM_001348212.2, NM_001243233.2); c.1567_1568del, p.Ser523fs (NM_001348213.2, NM_001330605.3); c.1462_1463del, p.Ser488fs (NM_001348214.2); c.1309_1310del, p.Ser437fs (NM_001348215.2); c.1477_1478del, p.Ser493fs (NM_001348216.2, NM_001243234.2); c.1885_1886del, p.Ser629fs (NM_001348217.1, NM_001348218.2, NM_001369575.1 and 1 more transcripts); c.1873_1874del, p.Ser625fs (NM_001348219.2, NM_001306207.1, NM_001369582.1 and 1 more transcripts); and 14 more; short protein forms S488fs, S582fs, S648fs, S649fs, S489fs, S519fs, S607fs, S625fs.
Identifiers: ClinVar variation 431137 (VCV000431137.3), dbSNP rs1135401807, ClinGen allele CA645372637.

ClinVar aggregate classification (germline): Pathogenic (1 of 4 stars; one submission).

Conditions:
Pitt-Hopkins syndrome (PTHS). Also called: ENCEPHALOPATHY, SEVERE EPILEPTIC, WITH AUTONOMIC DYSFUNCTION; MENTAL RETARDATION, SYNDROMAL, WITH INTERMITTENT HYPERVENTILATION. Identifiers: Orphanet 2896, MedGen C1970431, MONDO:0012589, OMIM 610954.

Submission:

Groupe Hospitalier Pitie Salpetriere, Uf Genomique Du Developpement, Assistance Publique Hopitaux de Paris Sorbonne Université
Classification: Pathogenic for Pitt-Hopkins syndrome. Last evaluated: 2017-01-06. Review status: criteria provided, single submitter. Criteria: ACMG Guidelines, 2015. Collection method: clinical testing. Allele origin: de novo. Affected: yes. Observed: 1 variant allele.
Comment: severe Intellectual disability with cryptorchIntellectual disabilityism

Literature cited by the submitters: PubMed 28708303.